The following is an entry in ClinVar:

NM_004168.4(SDHA):c.1150T>G (p.Ser384Ala)

Gene: SDHA (succinate dehydrogenase complex flavoprotein subunit A; plus strand). Cytogenetic location: 5p15.33.
Variant type: single nucleotide variant.
Coding change: c.1150T>G on transcript NM_004168.4 (MANE Select); coding-DNA position 1150, T replaced by G.
Protein change: p.Ser384Ala; replaces serine 384 with alanine.
Molecular consequence: missense variant.
Genome position (GRCh38, 1-based): chr5:235,229, T>G. VCF-style: chr5-235229-T-G. GRCh37 (hg19) VCF-style: chr5-235344-T-G.
Other names: c.1006T>G, p.Ser336Ala (NM_001294332.2); c.1150T>G, p.Ser384Ala (NM_001330758.2); short protein forms S384A, S336A.
Identifiers: ClinVar variation 472302 (VCV000472302.16), dbSNP rs776888362, ClinGen allele CA3173121.

ClinVar aggregate classification (germline): Uncertain significance. Review status: criteria provided, multiple submitters, no conflicts (2 of 4 stars). 4 submissions from 4 submitters: Uncertain significance (4). Last evaluated 2025-10-02.

Conditions:
Hereditary cancer-predisposing syndrome. Also called: Neoplastic Syndromes, Hereditary; Hereditary Cancer Syndrome; Hereditary neoplastic syndrome; Tumor predisposition. Identifiers: Orphanet 140162, MedGen C0027672, MeSH D009386, MONDO:0015356.
Leigh syndrome (NULS). Also called: LEIGH SYNDROME, NUCLEAR; Leigh Disease; Subacute necrotizing encephalopathy; Necrotizing encephalopathy infantile subacute of Leigh; Leigh's necrotizing encephalopathy; Leigh's disease. Identifiers: Orphanet 506, MedGen C2931891, MONDO:0009723, OMIM 256000.
Mitochondrial complex II deficiency, nuclear type 1. Also called: SUCCINATE CoQ REDUCTASE DEFICIENCY. Identifiers: Orphanet 3208, MedGen C5700310, MONDO:0100294, OMIM 252011.
Dilated cardiomyopathy 1GG (CMD1GG). Identifiers: Orphanet 154, MedGen C3150898, MONDO:0013339, OMIM 613642.
Pheochromocytoma/paraganglioma syndrome 5. Also called: Paragangliomas 5; SDHA-Related Hereditary Paraganglioma-Pheochromocytoma Syndrome. Identifiers: Orphanet 29072, MedGen C3279992, MONDO:0013602, OMIM 614165.

Allele frequency attached by ClinVar (database versions not stated): TOPMed below 0.00001; ExAC 0.00001; gnomAD 0.00001; gnomAD exomes 0.00001.
gnomAD v4.1: 9 of 1,613,868 alleles (0.00056%); highest among the groups gnomAD compares: Non-Finnish European, 0.00076%; no homozygotes.

Submissions (4):

Labcorp Genetics (formerly Invitae), Labcorp
Classification: Uncertain significance for Pheochromocytoma/paraganglioma syndrome 5; Mitochondrial complex II deficiency, nuclear type 1. Last evaluated: 2025-10-02. Review status: criteria provided, single submitter. Criteria: Invitae Variant Classification Sherloc (09022015). Collection method: clinical testing. Allele origin: germline.
Comment: This sequence change replaces serine, which is neutral and polar, with alanine, which is neutral and non-polar, at codon 384 of the SDHA protein (p.Ser384Ala). This variant is present in population databases (rs776888362, gnomAD 0.002%). This variant has not been reported in the literature in individuals affected with SDHA-related conditions. ClinVar contains an entry for this variant (Variation ID: 472302). Invitae Evidence Modeling of protein sequence and biophysical properties (such as structural, functional, and spatial information, amino acid conservation, physicochemical variation, residue mobility, and thermodynamic stability) indicates that this missense variant is not expected to disrupt SDHA protein function with a negative predictive value of 95%. In summary, the available evidence is currently insufficient to determine the role of this variant in disease. Therefore, it has been classified as a Variant of Uncertain Significance.

Ambry Genetics
Classification: Uncertain significance for Hereditary cancer-predisposing syndrome. Last evaluated: 2025-08-03. Review status: criteria provided, single submitter. Criteria: Ambry Variant Classification Scheme 2023. Collection method: clinical testing. Allele origin: germline.
Comment: The p.S384A variant (also known as c.1150T>G), located in coding exon 9 of the SDHA gene, results from a T to G substitution at nucleotide position 1150. The serine at codon 384 is replaced by alanine, an amino acid with similar properties. This amino acid position is highly conserved in available vertebrate species. In addition, the in silico prediction for this alteration is inconclusive. Since supporting evidence is limited at this time, the clinical significance of this alteration remains unclear.

GeneDx
Classification: Uncertain significance. Last evaluated: 2024-01-03. Review status: criteria provided, single submitter. Criteria: GeneDx Variant Classification Process June 2021. Collection method: clinical testing. Allele origin: germline. Affected: yes.
Comment: Not observed at significant frequency in large population cohorts (gnomAD); In silico analysis supports that this missense variant does not alter protein structure/function; Has not been previously published as pathogenic or benign to our knowledge

Fulgent Genetics
Classification: Uncertain significance for Mitochondrial complex II deficiency, nuclear type 1; Leigh syndrome; Dilated cardiomyopathy 1GG; Pheochromocytoma/paraganglioma syndrome 5. Last evaluated: 2018-10-31. Review status: criteria provided, single submitter. Criteria: ACMG Guidelines, 2015. Collection method: clinical testing. Allele origin: unknown.